The following is an entry in ClinVar:

NM_006846.4(SPINK5):c.374del (p.Thr125fs)

Gene: SPINK5 (serine peptidase inhibitor Kazal type 5; plus strand). Cytogenetic location: 5q32.
Variant type: Deletion.
Coding change: c.374del on transcript NM_006846.4 (MANE Select); coding-DNA position 374, one base deleted (C; older notation c.374delC).
Protein change: p.Thr125fs; shifts the reading frame from threonine 125.
Molecular consequence: frameshift variant.
Genome position (GRCh38, 1-based): chr5:148,086,496, C deleted. VCF-style (leftmost placement, unchanged base first): chr5-148086495-AC-A. GRCh37 (hg19) VCF-style: chr5-147466058-AC-A.
Other names: c.374del, p.Thr125fs (NM_001127698.2, NM_001127699.2); c.374delC (NM_006846.3); short protein forms T125fs.
Identifiers: ClinVar variation 654217 (VCV000654217.7), dbSNP rs1419297868, ClinGen allele CA563751319.
Genomic context (GRCh38, chr5:148,086,495, plus strand): 5'-AGAGATGGGGATTTTATCTGTCCTGATTATTATGAAGCTGTTTGTGGCACAGATGGGAAA[AC>A]ATATGACAACAGATGTGCACTGTGTGCTGAGAATGCGTGAGTATTCTCTGAAGTAGGCTT-3'

ClinVar aggregate classification (germline): Pathogenic (1 of 4 stars; one submission).

Conditions:
Ichthyosis linearis circumflexa. Identifiers: MedGen C0265962, MONDO:0043106, HP:0025810.

Allele frequency attached by ClinVar (database versions not stated): gnomAD exomes below 0.00001; gnomAD 0.00002; TOPMed 0.00002.

Submission:

Labcorp Genetics (formerly Invitae), Labcorp
Classification: Pathogenic for Ichthyosis linearis circumflexa. Last evaluated: 2024-07-30. Review status: criteria provided, single submitter. Criteria: Invitae Variant Classification Sherloc (09022015). Collection method: clinical testing. Allele origin: germline.
Comment: This sequence change creates a premature translational stop signal (p.Thr125Asnfs*21) in the SPINK5 gene. It is expected to result in an absent or disrupted protein product. Loss-of-function variants in SPINK5 are known to be pathogenic (PMID: 11511292, 11841556). This variant is present in population databases (no rsID available, gnomAD 0.008%). This variant has not been reported in the literature in individuals affected with SPINK5-related conditions. ClinVar contains an entry for this variant (Variation ID: 654217). For these reasons, this variant has been classified as Pathogenic.

Literature cited by the submitters: PubMed 11511292; PubMed 11841556.